The following is an entry in ClinVar:

NM_001365536.1(SCN9A):c.937C>T (p.Leu313Phe)

Genes: SCN9A (sodium voltage-gated channel alpha subunit 9; minus strand), SCN1A-AS1 (SCN1A and SCN9A antisense RNA 1; plus strand). Cytogenetic location: 2q24.3.
Variant type: single nucleotide variant.
Coding change: c.937C>T on transcript NM_001365536.1 (MANE Select); coding-DNA position 937, C replaced by T.
Protein change: p.Leu313Phe; replaces leucine 313 with phenylalanine.
Molecular consequence: missense variant. On other transcripts: non-coding transcript variant (1).
Genome position (GRCh38, 1-based): chr2:166,294,627, G>A on the plus strand (C>T on the coding strand, the complement: SCN9A is on the minus strand). VCF-style: chr2-166294627-G-A. GRCh37 (hg19) VCF-style: chr2-167151137-G-A.
Other names: c.937C>T, p.Leu313Phe (NM_002977.4); short protein forms L313F.
Identifiers: ClinVar variation 3758940 (VCV003758940.2).
Genomic context (GRCh38, chr2:166,294,627, plus strand): 5'-TTTAGACTAAAAAGAAAACAAATATTACATACCCTGAATCTGTGCTGAAACCACAAAGGA[G>A]AGCATCTTTGGATCCTTCCAAGTAATAAAAATATTCTGTTGAAGAAGAATTTGAACAGTT-3'
Protein context (NP_001352465.1, residues 303-323): FYYLEGSKDA[Leu313Phe]LCGFSTDSGQ

ClinVar aggregate classification (germline): Uncertain significance (1 of 4 stars; one submission).

Conditions:
Neuropathy, hereditary sensory and autonomic, type 2A (HSAN2A). Also called: ACROOSTEOLYSIS, GIACCAI TYPE; ACROOSTEOLYSIS, NEUROGENIC; WNK1-Related HSAN2 (HSAN2A); MORVAN DISEASE; NEUROPATHY, CONGENITAL SENSORY; NEUROPATHY, HEREDITARY SENSORY RADICULAR, AUTOSOMAL RECESSIVE. Identifiers: Orphanet 970, MedGen C2752089, MONDO:0024309, OMIM 201300.
Generalized epilepsy with febrile seizures plus, type 7 (GEFSP7). Also called: GEFS+, TYPE 7. Identifiers: Orphanet 36387, MedGen C2751778, MONDO:0013470, OMIM 613863.

Submission:

Labcorp Genetics (formerly Invitae), Labcorp
Classification: Uncertain significance for Neuropathy, hereditary sensory and autonomic, type 2A; Generalized epilepsy with febrile seizures plus, type 7. Last evaluated: 2024-12-06. Review status: criteria provided, single submitter. Criteria: Invitae Variant Classification Sherloc (09022015). Collection method: clinical testing. Allele origin: germline.
Comment: This sequence change replaces leucine, which is neutral and non-polar, with phenylalanine, which is neutral and non-polar, at codon 313 of the SCN9A protein (p.Leu313Phe). This variant is not present in population databases (gnomAD no frequency). This variant has not been reported in the literature in individuals affected with SCN9A-related conditions. Invitae Evidence Modeling of protein sequence and biophysical properties (such as structural, functional, and spatial information, amino acid conservation, physicochemical variation, residue mobility, and thermodynamic stability) indicates that this missense variant is not expected to disrupt SCN9A protein function with a negative predictive value of 95%. In summary, the available evidence is currently insufficient to determine the role of this variant in disease. Therefore, it has been classified as a Variant of Uncertain Significance.